The following is an entry in ClinVar:

NM_004606.5(TAF1):c.4754-4A>G

Gene: TAF1 (TATA-box binding protein associated factor 1; plus strand). Cytogenetic location: Xq13.1.
Variant type: single nucleotide variant.
Coding change: c.4754-4A>G on transcript NM_004606.5 (MANE Select); 4 bases into the intron before coding-DNA position 4754, A replaced by G.
Molecular consequence: intron variant.
Genome position (GRCh38, 1-based): chrX:71,454,166, A>G. VCF-style: chrX-71454166-A-G. GRCh37 (hg19) VCF-style: chrX-70674016-A-G.
Other names: c.4754-4A>G (NM_001286074.2); c.4691-4A>G (NM_138923.4).
Identifiers: ClinVar variation 695493 (VCV000695493.45), dbSNP rs370696191, ClinGen allele CA10447249.

ClinVar aggregate classification (germline): Benign/Likely benign. Review status: criteria provided, multiple submitters, no conflicts (2 of 4 stars). 9 submissions from 9 submitters: Benign (1); Likely benign (5). 3 of the submissions do not count toward it. Last evaluated 2025-12-10.

Conditions:
Intellectual disability. Also called: Intellectual developmental disorder; Intellectual functioning disability; intellectual disabilities. Identifiers: MedGen C3714756, MeSH D008607, MONDO:0001071, HP:0001249.
X-linked dystonia-parkinsonism (DYT3). Also called: DYT-TAF1; TORSION DYSTONIA-PARKINSONISM, FILIPINO TYPE; Lubag. Identifiers: Orphanet 53351, MedGen C1839130, MONDO:0010747, OMIM 314250.
Intellectual developmental disorder, X-linked, syndromic 33. Also called: X-linked intellectual disability-global development delay-facial dysmorphism-sacral caudal remnant syndrome; Intellectual disability, X-linked, syndromic 33. Identifiers: Orphanet 480907, MedGen C4225418, MONDO:0010500, OMIM 300966.

Allele frequency attached by ClinVar (database versions not stated): ESP Exome Variant Server 0.00028; gnomAD exomes 0.00022; TOPMed 0.00027; gnomAD 0.00029 and 0.00028; ExAC 0.00023.
gnomAD v4.1: 421 of 1,202,266 alleles (0.035%); highest among the groups gnomAD compares: Middle Eastern, 0.23%; no homozygotes.

Submissions (9):

Labcorp Genetics (formerly Invitae), Labcorp
Classification: Likely benign. Last evaluated: 2025-12-10. Review status: criteria provided, single submitter. Criteria: Invitae Variant Classification Sherloc (09022015). Collection method: clinical testing. Allele origin: germline.

Blueprint Genetics
Classification: Likely benign. Last evaluated: 2024-11-20. Review status: criteria provided, single submitter. Criteria: ACMG Guidelines, 2015. Collection method: clinical testing. Allele origin: germline.

CeGaT Center for Human Genetics Tuebingen
Classification: Likely benign. Last evaluated: 2024-05-01. Review status: criteria provided, single submitter. Criteria: CeGaT Center For Human Genetics Tuebingen Variant Classification Criteria Version 2. Collection method: clinical testing. Allele origin: germline. Affected: yes. Observed: 4 variant alleles.
Comment: TAF1: BP4, BS2

Fulgent Genetics
Classification: Likely benign for Intellectual developmental disorder, X-linked, syndromic 33; X-linked dystonia-parkinsonism. Last evaluated: 2021-09-23. Review status: criteria provided, single submitter. Criteria: ACMG Guidelines, 2015. Collection method: clinical testing. Allele origin: unknown.

Cambridge Genomics Laboratory, East Genomic Laboratory Hub, NHS Genomic Medicine Service
Classification: Benign for Intellectual disability. Last evaluated: 2019-04-17. Review status: criteria provided, single submitter. Criteria: ACGS Best Practice Guidelines for Variant Classification in Rare Disease 2020. Collection method: clinical testing. Allele origin: germline. Affected: yes. Observed: 1 variant allele.

Breakthrough Genomics
Classification: Likely benign. Review status: criteria provided, single submitter. Criteria: ACMG Guidelines, 2015. Collection method: not provided. Allele origin: germline. Inheritance: X-linked inheritance. Affected: yes.

Clinical Genetics DNA and cytogenetics Diagnostics Lab, Erasmus MC, Erasmus Medical Center
Classification: Likely benign. Review status: no assertion criteria provided. Collection method: clinical testing. Allele origin: germline. Affected: yes. Study: VKGL Data-share Consensus. Not counted in ClinVar's aggregate classification.

Diagnostic Laboratory, Department of Genetics, University Medical Center Groningen
Classification: Likely benign. Review status: no assertion criteria provided. Collection method: clinical testing. Allele origin: germline. Affected: yes. Study: VKGL Data-share Consensus. Not counted in ClinVar's aggregate classification.

Laboratory of Diagnostic Genome Analysis, Leiden University Medical Center (LUMC)
Classification: Likely benign. Review status: no assertion criteria provided. Collection method: clinical testing. Allele origin: germline. Affected: yes. Study: VKGL Data-share Consensus. Not counted in ClinVar's aggregate classification.